The following is an entry in ClinVar:

NM_007254.4(PNKP):c.823G>T (p.Asp275Tyr)

Gene: PNKP (polynucleotide kinase 3'-phosphatase; minus strand). Cytogenetic location: 19q13.33.
Variant type: single nucleotide variant.
Coding change: c.823G>T on transcript NM_007254.4 (MANE Select); coding-DNA position 823, G replaced by T.
Protein change: p.Asp275Tyr; replaces aspartic acid 275 with tyrosine.
Molecular consequence: missense variant.
Genome position (GRCh38, 1-based): chr19:49,862,732, C>A on the plus strand (G>T on the coding strand, the complement: PNKP is on the minus strand). VCF-style: chr19-49862732-C-A. GRCh37 (hg19) VCF-style: chr19-50365989-C-A.
Other names: c.823G>T (NM_007254.3); short protein forms D275Y.
Identifiers: ClinVar variation 1716287 (VCV001716287.7), dbSNP rs772611913, ClinGen allele CA406882444.

ClinVar aggregate classification (germline): Uncertain significance. Review status: criteria provided, multiple submitters, no conflicts (2 of 4 stars). 2 submissions from 2 submitters: Uncertain significance (2). Last evaluated 2025-08-11.

Conditions:
Inborn genetic diseases. Identifiers: MedGen C0950123, MeSH D030342.
Developmental and epileptic encephalopathy, 12 (DEE12). Identifiers: MedGen C3150988, MONDO:0013389, OMIM 613722.

Allele frequency attached by ClinVar (database versions not stated): gnomAD 0.00001.
gnomAD v4.1: 1 of 1,613,972 alleles (0.000062%); highest among the groups gnomAD compares: African/African-American, 0.0013%; no homozygotes.

Submissions (2):

Ambry Genetics
Classification: Uncertain significance for Inborn genetic diseases. Last evaluated: 2025-08-11. Review status: criteria provided, single submitter. Criteria: Ambry Variant Classification Scheme 2023. Collection method: clinical testing. Allele origin: germline.

Labcorp Genetics (formerly Invitae), Labcorp
Classification: Uncertain significance for Developmental and epileptic encephalopathy, 12. Last evaluated: 2024-10-14. Review status: criteria provided, single submitter. Criteria: Invitae Variant Classification Sherloc (09022015). Collection method: clinical testing. Allele origin: germline.
Comment: This sequence change replaces aspartic acid, which is acidic and polar, with tyrosine, which is neutral and polar, at codon 275 of the PNKP protein (p.Asp275Tyr). This variant is not present in population databases (gnomAD no frequency). This variant has not been reported in the literature in individuals affected with PNKP-related conditions. ClinVar contains an entry for this variant (Variation ID: 1716287). Invitae Evidence Modeling of protein sequence and biophysical properties (such as structural, functional, and spatial information, amino acid conservation, physicochemical variation, residue mobility, and thermodynamic stability) indicates that this missense variant is not expected to disrupt PNKP protein function with a negative predictive value of 80%. In summary, the available evidence is currently insufficient to determine the role of this variant in disease. Therefore, it has been classified as a Variant of Uncertain Significance.